The following is an entry in ClinVar:

ClinVar aggregate classification (germline): Likely pathogenic. Review status: criteria provided, multiple submitters, no conflicts (2 of 4 stars). 2 submissions from 2 submitters: Likely pathogenic (2). Last evaluated 2025-10-25.

Conditions:
Familial thoracic aortic aneurysm and aortic dissection (TAAD). Also called: Thoracic aortic aneurysms and dissections. Identifiers: Orphanet 91387, MedGen C4707243, MONDO:0019625.
Loeys-Dietz syndrome 2 (LDS2). Also called: TGFBR2-Related Loeys-Dietz Syndrome; MARFAN SYNDROME, TYPE II; Marfan syndrome, type 2 (formerly); Marfan Syndrome type 2; Marfan like connective tissue disorder; MFS 2. Identifiers: Orphanet 284973, Orphanet 558, MedGen C2674574, MONDO:0012427, OMIM 610168.

Submissions (2):

3billion
Classification: Likely pathogenic for Loeys-Dietz syndrome 2. Last evaluated: 2025-10-25. Review status: criteria provided, single submitter. Criteria: ACMG Guidelines, 2015. Collection method: clinical testing. Allele origin: germline. Affected: yes.
Comment: The variant is not observed in the gnomAD v4.1.0 dataset. Predicted Consequence/Location: Stop-gained (nonsense): predicted to result in a loss or disruption of normal protein function through protein truncation. The predicted truncated protein may be shortened by more than 10%. The variant has been reported to be associated with TGFBR2-related disorder (ClinVar ID: VCV000408438 /PMID: 18781618). Therefore, this variant is classified as Likely pathogenic according to the recommendation of ACMG/AMP guideline.

Labcorp Genetics (formerly Invitae), Labcorp
Classification: Likely pathogenic for Familial thoracic aortic aneurysm and aortic dissection. Last evaluated: 2022-10-02. Review status: criteria provided, single submitter. Criteria: Invitae Variant Classification Sherloc (09022015). Collection method: clinical testing. Allele origin: germline.
Comment: In summary, the currently available evidence indicates that the variant is pathogenic, but additional data are needed to prove that conclusively. Therefore, this variant has been classified as Likely Pathogenic. ClinVar contains an entry for this variant (Variation ID: 408438). This premature translational stop signal has been observed in individuals with TGFBR2-related conditions (PMID: 18781618, 26848186). This variant is not present in population databases (gnomAD no frequency). This sequence change creates a premature translational stop signal (p.Gln511*) in the TGFBR2 gene. While this is not anticipated to result in nonsense mediated decay, it is expected to disrupt the last 57 amino acid(s) of the TGFBR2 protein.

Literature cited by the submitters: PubMed 18781618 (cited by 3billion and Labcorp Genetics (formerly Invitae), Labcorp); PubMed 26848186 (cited by Labcorp Genetics (formerly Invitae), Labcorp).

NM_003242.6(TGFBR2):c.1531C>T (p.Gln511Ter)

Gene: TGFBR2 (transforming growth factor beta receptor 2; plus strand). Cytogenetic location: 3p24.1.
Variant type: single nucleotide variant.
Coding change: c.1531C>T on transcript NM_003242.6 (MANE Select); coding-DNA position 1531, C replaced by T.
Protein change: p.Gln511Ter; replaces glutamine 511 with a stop codon.
Molecular consequence: nonsense.
Genome position (GRCh38, 1-based): chr3:30,691,426, C>T. VCF-style: chr3-30691426-C-T. GRCh37 (hg19) VCF-style: chr3-30732918-C-T.
Other names: c.1606C>T, p.Gln536Ter (NM_001024847.3); c.1714C>T, p.Gln572Ter (NM_001407126.1); c.1639C>T, p.Gln547Ter (NM_001407127.1); c.1558C>T, p.Gln520Ter (NM_001407128.1); c.1534C>T, p.Gln512Ter (NM_001407129.1); c.1528C>T, p.Gln510Ter (NM_001407130.1); c.1426C>T, p.Gln476Ter (NM_001407132.1, NM_001407133.1, NM_001407134.1 and 2 more transcripts); c.1246C>T, p.Gln416Ter (NM_001407137.1); and 2 more; short protein forms Q536*, Q511*, Q416*, Q510*, Q512*, Q221*, Q476*, Q547*.
Identifiers: ClinVar variation 408438 (VCV000408438.7), dbSNP rs1060501984, ClinGen allele CA16611191.